The following is an entry in ClinVar:

ClinVar aggregate classification (germline): Uncertain significance. Review status: criteria provided, multiple submitters, no conflicts (2 of 4 stars). 3 submissions from 3 submitters: Uncertain significance (3). Last evaluated 2024-04-29.

Conditions:
Inborn genetic diseases. Identifiers: MedGen C0950123, MeSH D030342.

Allele frequency attached by ClinVar (database versions not stated): gnomAD exomes below 0.00001; gnomAD 0.00001; TOPMed 0.00001.

Submissions (3):

Ambry Genetics
Classification: Uncertain significance for Inborn genetic diseases. Last evaluated: 2024-04-29. Review status: criteria provided, single submitter. Criteria: Ambry Variant Classification Scheme 2023. Collection method: clinical testing. Allele origin: germline.

Labcorp Genetics (formerly Invitae), Labcorp
Classification: Uncertain significance. Last evaluated: 2023-10-17. Review status: criteria provided, single submitter. Criteria: Invitae Variant Classification Sherloc (09022015). Collection method: clinical testing. Allele origin: germline.
Comment: This sequence change replaces serine, which is neutral and polar, with threonine, which is neutral and polar, at codon 40 of the POU3F4 protein (p.Ser40Thr). This variant is not present in population databases (gnomAD no frequency). This variant has not been reported in the literature in individuals affected with POU3F4-related conditions. An algorithm developed to predict the effect of missense changes on protein structure and function (PolyPhen-2) suggests that this variant is likely to be tolerated. In summary, the available evidence is currently insufficient to determine the role of this variant in disease. Therefore, it has been classified as a Variant of Uncertain Significance.

Blueprint Genetics
Classification: Uncertain significance. Last evaluated: 2021-06-16. Review status: criteria provided, single submitter. Criteria: ACMG Guidelines, 2015. Collection method: clinical testing. Allele origin: germline.

NM_000307.5(POU3F4):c.119G>C (p.Ser40Thr)

Gene: POU3F4 (POU class 3 homeobox 4; plus strand). Cytogenetic location: Xq21.1.
Variant type: single nucleotide variant.
Coding change: c.119G>C on transcript NM_000307.5 (MANE Select); coding-DNA position 119, G replaced by C.
Protein change: p.Ser40Thr; replaces serine 40 with threonine.
Molecular consequence: missense variant.
Genome position (GRCh38, 1-based): chrX:83,508,443, G>C. VCF-style: chrX-83508443-G-C. GRCh37 (hg19) VCF-style: chrX-82763451-G-C.
Other names: c.119G>C (NM_000307.3); short protein forms S40T.
Identifiers: ClinVar variation 2715369 (VCV002715369.5), dbSNP rs988801509, ClinGen allele CA332228320.